The following is an entry in ClinVar:

GRCh38/hg38 6q25.3-27(chr6:160359686-170608818)x1

Genes: AFDN (afadin, adherens junction formation factor; plus strand), AFDN-DT (AFDN divergent transcript; minus strand), AGPAT4 (1-acylglycerol-3-phosphate O-acyltransferase 4; minus strand), AGPAT4-IT1 (AGPAT4 intronic transcript 1; minus strand), C6orf118 (chromosome 6 open reading frame 118; minus strand) and 300 more. Cytogenetic location: 6q25.3-27.
Variant type: copy number loss.
Change: copy number 1 (one copy instead of two) of chr6:160,359,686-170,608,818 (10.25 Mb, GRCh38 coordinates, 1-based), cytogenetic band 6q25.3-27.
Identifiers: ClinVar variation 58458 (VCV000058458.2).

ClinVar aggregate classification (germline): Pathogenic (1 of 4 stars; one submission).

Submission:

ISCA Site 6
Classification: Pathogenic. Last evaluated: 2011-08-12. Review status: criteria provided, single submitter. Criteria: Kaminsky et al. (Genet Med. 2011). Collection method: clinical testing. Allele origin: de novo. Affected: yes. Observed: 1 variant allele.
Comment: Copy number variation identified through the course of routine clinical cytogenomic testing in postnatal populations. Clinical assertions have been curated as described in Kaminsky et al. 2011.